The following is an entry in ClinVar:

ClinVar aggregate classification (germline): Uncertain significance. Review status: criteria provided, multiple submitters, no conflicts (2 of 4 stars). 3 submissions from 3 submitters: Uncertain significance (2). 1 of the submissions does not count toward it. Last evaluated 2020-10-24.

Conditions:
GNAS-related disorder. Identifiers: MedGen CN380105.

Submissions (3):

GeneDx
Classification: Uncertain significance. Last evaluated: 2020-10-24. Review status: criteria provided, single submitter. Criteria: GeneDx Variant Classification Process June 2021. Collection method: clinical testing. Allele origin: germline. Affected: yes.
Comment: Not observed in large population cohorts (Lek et al., 2016); Frameshift variant predicted to result in protein truncation as the last 226 amino acids are replaced with 46 different amino acids, although loss-of-function variants have not been reported downstream of this position in the protein; Has not been previously published as pathogenic or benign to our knowledge; Present in an alternate transcript (NM_016592.2) of the GNAS gene

Blueprint Genetics
Classification: Uncertain significance. Last evaluated: 2018-07-09. Review status: criteria provided, single submitter. Criteria: ACMG Guidelines, 2015. Collection method: clinical testing. Allele origin: germline.

PreventionGenetics, part of Exact Sciences
Classification: Uncertain significance for GNAS-related condition. Last evaluated: 2023-12-15. Review status: no assertion criteria provided. Collection method: clinical testing. Allele origin: germline. Not counted in ClinVar's aggregate classification.
Comment: The GNAS c.58dupC variant is predicted to result in a frameshift and premature protein termination (p.Leu20Profs*47). To our knowledge, this variant has not been reported in the literature or in a large population database, indicating this variant is rare. Transcript NM_016592.3 only has one coding exon and encodes neuroendocrine secretory protein 55 (NESP55). This exon is located ~51kb upstream of the first exon of the primarily transcript (NM_000516.5) of GNAS. To our knowledge, only large deletions of this region are conclusively pathogenic for pseudohypoparathyroidism type-Ib (PHP-Ib) due to methylation defects, of which obesity is not typically characteristic feature (Turan and Bastepe. 2015. PubMed ID: 25851935). Although, in some studies single nucleotide variants (SNVs) within this region have been reported in related diseases, the pathogenicity is still unknown (see for example in Table 3 of Long et al. 2018. PubMed ID: 30022773). Taken together, at this time, the clinical significance of this frameshift variant is uncertain due to the absence of conclusive functional and genetic evidence.

NM_016592.5(GNAS):c.58dup (p.Leu20fs)

Genes: GNAS (GNAS complex locus; plus strand), GNAS-AS1 (GNAS antisense RNA 1; minus strand). Cytogenetic location: 20q13.32.
Variant type: Duplication.
Coding change: c.58dup on transcript NM_016592.5 (MANE Plus Clinical); coding-DNA position 58, one base duplicated (C; older notation c.58dupC).
Protein change: p.Leu20fs; shifts the reading frame from leucine 20.
Molecular consequence: frameshift variant. On other transcripts: 5 prime UTR variant (1).
Genome position (GRCh38, 1-based): chr20:58,840,164, C duplicated; the last of 2 consecutive C bases (chr20:58,840,163-58,840,164); duplicating either gives the same sequence. VCF-style (leftmost placement, unchanged base first): chr20-58840162-A-AC. GRCh37 (hg19) VCF-style: chr20-57415217-A-AC.
Other names: c.-680dup (NM_001410912.1); short protein forms L20fs.
Identifiers: ClinVar variation 1319045 (VCV001319045.7), dbSNP rs1220130891, ClinGen allele CA746030608.